The following is an entry in ClinVar:

NM_133379.5(TTN):c.14015C>T (p.Ala4672Val)

Genes: TTN (titin; minus strand), LOC126806432 (CDK7 strongly-dependent group 2 enhancer GRCh37_chr2:179611985-179613184; plus strand). Cytogenetic location: 2q31.2.
Variant type: single nucleotide variant.
Coding change: c.14015C>T on transcript NM_133379.5; coding-DNA position 14015, C replaced by T.
Protein change: p.Ala4672Val; replaces alanine 4672 with valine.
Molecular consequence: missense variant. On other transcripts: intron variant (6).
Genome position (GRCh38, 1-based): chr2:178,748,385, G>A on the plus strand (C>T on the coding strand, the complement: TTN is on the minus strand). VCF-style: chr2-178748385-G-A. GRCh37 (hg19) VCF-style: chr2-179613112-G-A.
Other names: c.10222+4739C>T (NM_003319.4); c.10798+4739C>T (NM_133437.4); c.10597+4739C>T (NM_133432.3); c.10360+4739C>T (NM_133378.4, NM_001256850.1); c.11311+4739C>T (NM_001267550.2); short protein forms A4672V.
Identifiers: ClinVar variation 192051 (VCV000192051.15), dbSNP rs551658963, ClinGen allele CA238187.

ClinVar aggregate classification (germline): Conflicting classifications of pathogenicity. Review status: criteria provided, conflicting classifications (1 of 4 stars). 5 submissions from 5 submitters: Uncertain significance (1); Likely benign (2). 2 of the submissions do not count toward it. Last evaluated 2026-02-03.

Conditions:
TTN-related disorder. Also called: TTN-related condition; TTN-related disease; TTN-related disorders.

Allele frequency attached by ClinVar (database versions not stated): gnomAD 0.00005 and 0.00009; gnomAD exomes 0.00009 and 0.00030; TOPMed 0.00011; ExAC 0.00027; 1000 Genomes Project 30x 0.00094; 1000 Genomes Project 0.00100.
gnomAD v4.1: 142 of 1,613,072 alleles (0.0088%); highest among the groups gnomAD compares: East Asian, 0.31%; no homozygotes.

Submissions (5):

PreventionGenetics, part of Exact Sciences
Classification: Likely benign for TTN-related condition. Last evaluated: 2026-02-03. Review status: criteria provided, single submitter. Criteria: ACMG Guidelines, 2015. Collection method: clinical testing. Allele origin: germline.
Comment: This variant is classified as likely benign based on ACMG/AMP sequence variant interpretation guidelines (Richards et al. 2015 PMID: 25741868, with internal and published modifications).

GeneDx
Classification: Likely benign. Last evaluated: 2019-01-17. Review status: criteria provided, single submitter. Criteria: GeneDx Variant Classification Process June 2021. Collection method: clinical testing. Allele origin: germline. Affected: yes.

Biesecker Lab/Clinical Genomics Section, National Institutes of Health
Classification: Uncertain significance. Last evaluated: 2013-06-24. Review status: criteria provided, single submitter. Criteria: Ng et al. (Circ Cardiovasc Genet. 2013). Collection method: research. Allele origin: unknown. Observed: 1 variant allele. Study: ClinSeq.
Comment: The study set was not selected for affection status in relation to any cancer. Pathogenicity categories were based on literature curation. See Pubmed ID:23861362 for details.

Medical sequencing

Clinical Genetics, Academic Medical Center
Classification: Benign. Review status: no assertion criteria provided. Collection method: clinical testing. Allele origin: germline. Affected: yes. Study: VKGL Data-share Consensus. Not counted in ClinVar's aggregate classification.

Laboratory of Diagnostic Genome Analysis, Leiden University Medical Center (LUMC)
Classification: Likely benign. Review status: no assertion criteria provided. Collection method: clinical testing. Allele origin: germline. Affected: yes. Study: VKGL Data-share Consensus. Not counted in ClinVar's aggregate classification.